The following is an entry in ClinVar:

NM_000308.4(CTSA):c.53T>G (p.Leu18Arg)

Gene: CTSA (cathepsin A; plus strand). Cytogenetic location: 20q13.12.
Variant type: single nucleotide variant.
Coding change: c.53T>G on transcript NM_000308.4 (MANE Select); coding-DNA position 53, T replaced by G.
Protein change: p.Leu18Arg; replaces leucine 18 with arginine.
Molecular consequence: missense variant. On other transcripts: non-coding transcript variant (1).
Genome position (GRCh38, 1-based): chr20:45,891,621, T>G. VCF-style: chr20-45891621-T-G. GRCh37 (hg19) VCF-style: chr20-44520260-T-G.
Other names: c.53T>G, p.Leu18Arg (NM_001127695.3, NM_001167594.3); short protein forms L18R.
Identifiers: ClinVar variation 1406362 (VCV001406362.3), dbSNP rs749819661, ClinGen allele CA9882915.
Genomic context (GRCh38, chr20:45,891,621, plus strand): 5'-TCCCGTAGATGATCCGAGCCGCGCCGCCGCCGCTGTTCCTGCTGCTGCTGCTGCTGCTGC[T>G]GCTAGTGTCCTGGGCGTCCCGAGGCGAGGCAGCCCCCGACCAGGACGAGATCCAGCGCCT-3'
Protein context (NP_000299.3, residues 8-28): PLFLLLLLLL[Leu18Arg]LVSWASRGEA

ClinVar aggregate classification (germline): Uncertain significance (1 of 4 stars; one submission).

Conditions:
Combined deficiency of sialidase AND beta galactosidase (GSL). Also called: CATHEPSIN A DEFICIENCY; PPCA DEFICIENCY; PROTECTIVE PROTEIN/CATHEPSIN A DEFICIENCY; GOLDBERG SYNDROME; Galactosialidosis; NEURAMINIDASE DEFICIENCY WITH BETA-GALACTOSIDASE DEFICIENCY. Identifiers: Orphanet 351, MedGen C0268233, MONDO:0009737, OMIM 256540.

Allele frequency attached by ClinVar (database versions not stated): gnomAD exomes below 0.00001 and 0.00001; TOPMed below 0.00001; ExAC 0.00001; gnomAD 0.00001.
gnomAD v4.1: 5 of 1,580,516 alleles (0.00032%); highest among the groups gnomAD compares: East Asian, 0.015%; no homozygotes.

Submission:

Labcorp Genetics (formerly Invitae), Labcorp
Classification: Uncertain significance for Combined deficiency of sialidase AND beta galactosidase. Last evaluated: 2022-10-13. Review status: criteria provided, single submitter. Criteria: Invitae Variant Classification Sherloc (09022015). Collection method: clinical testing. Allele origin: germline.
Comment: This sequence change replaces leucine, which is neutral and non-polar, with arginine, which is basic and polar, at codon 36 of the CTSA protein (p.Leu36Arg). The frequency data for this variant in the population databases is considered unreliable, as metrics indicate poor data quality at this position in the gnomAD database. This variant has not been reported in the literature in individuals affected with CTSA-related conditions. ClinVar contains an entry for this variant (Variation ID: 1406362). Algorithms developed to predict the effect of missense changes on protein structure and function are either unavailable or do not agree on the potential impact of this missense change (SIFT: "Not Available"; PolyPhen-2: "Benign"; Align-GVGD: "Not Available"). In summary, the available evidence is currently insufficient to determine the role of this variant in disease. Therefore, it has been classified as a Variant of Uncertain Significance.